The following is an entry in ClinVar:

NM_014141.6(CNTNAP2):c.542G>A (p.Cys181Tyr)

Gene: CNTNAP2 (contactin associated protein 2; plus strand). Cytogenetic location: 7q35.
Variant type: single nucleotide variant.
Coding change: c.542G>A on transcript NM_014141.6 (MANE Select); coding-DNA position 542, G replaced by A.
Protein change: p.Cys181Tyr; replaces cysteine 181 with tyrosine.
Molecular consequence: missense variant.
Genome position (GRCh38, 1-based): chr7:147,044,046, G>A. VCF-style: chr7-147044046-G-A. GRCh37 (hg19) VCF-style: chr7-146741138-G-A.
Other names: short protein forms C181Y.
Identifiers: ClinVar variation 966007 (VCV000966007.7), dbSNP rs1799308437, ClinGen allele CA369923674.

ClinVar aggregate classification (germline): Uncertain significance (1 of 4 stars; one submission).

Conditions:
Cortical dysplasia-focal epilepsy syndrome (PTHSL1). Also called: Pitt-Hopkins-like syndrome 1. Identifiers: Orphanet 163681, Orphanet 221150, MedGen C2750246, MONDO:0012400, OMIM 610042.

Allele frequency attached by ClinVar (database versions not stated): gnomAD exomes 0.00001.
gnomAD v4.1: 14 of 1,614,060 alleles (0.00087%); highest among the groups gnomAD compares: Non-Finnish European, 0.0011%; no homozygotes.

Submission:

Labcorp Genetics (formerly Invitae), Labcorp
Classification: Uncertain significance for Cortical dysplasia-focal epilepsy syndrome. Last evaluated: 2021-08-27. Review status: criteria provided, single submitter. Criteria: Invitae Variant Classification Sherloc (09022015). Collection method: clinical testing. Allele origin: germline.
Comment: This sequence change replaces cysteine with tyrosine at codon 181 of the CNTNAP2 protein (p.Cys181Tyr). The cysteine residue is moderately conserved and there is a large physicochemical difference between cysteine and tyrosine. This variant is not present in population databases (ExAC no frequency). This variant has not been reported in the literature in individuals affected with CNTNAP2-related conditions. Algorithms developed to predict the effect of missense changes on protein structure and function are either unavailable or do not agree on the potential impact of this missense change (SIFT: "Deleterious"; PolyPhen-2: "Probably Damaging"; Align-GVGD: "Class C0"). In summary, the available evidence is currently insufficient to determine the role of this variant in disease. Therefore, it has been classified as a Variant of Uncertain Significance.